The following is an entry in ClinVar:

NM_001035.3(RYR2):c.10421T>C (p.Leu3474Pro)

Gene: RYR2 (ryanodine receptor 2; plus strand). Cytogenetic location: 1q43.
Variant type: single nucleotide variant.
Coding change: c.10421T>C on transcript NM_001035.3 (MANE Select); coding-DNA position 10421, T replaced by C.
Protein change: p.Leu3474Pro; replaces leucine 3474 with proline.
Molecular consequence: missense variant.
Genome position (GRCh38, 1-based): chr1:237,717,295, T>C. VCF-style: chr1-237717295-T-C. GRCh37 (hg19) VCF-style: chr1-237880595-T-C.
Other names: short protein forms L3474P.
Identifiers: ClinVar variation 4757996 (VCV004757996.1).

ClinVar aggregate classification (germline): Uncertain significance (1 of 4 stars; one submission).

Conditions:
Cardiomyopathy (CMYO). Also called: Cardiomyopathies. Identifiers: Orphanet 167848, MedGen C0878544, MONDO:0004994, HP:0001638. Inheritance: Various modes of inheritance.

Submission:

Color Diagnostics, LLC DBA Color Health
Classification: Uncertain significance for Cardiomyopathy. Last evaluated: 2025-08-30. Review status: criteria provided, single submitter. Criteria: ACMG Guidelines, 2015. Collection method: clinical testing. Allele origin: germline.
Comment: This missense variant replaces leucine with proline at codon 3474 of the RYR2 protein. Computational prediction suggests that this variant may have deleterious impact on protein structure and function. To our knowledge, functional studies have not been reported for this variant. This variant has not been reported in individuals affected with RYR2-related disorders in the literature. This variant has not been identified in the general population by the Genome Aggregation Database (gnomAD). The available evidence is insufficient to determine the role of this variant in disease conclusively. Therefore, this variant is classified as a Variant of Uncertain Significance.